The following is an entry in ClinVar:

ClinVar aggregate classification (germline): Benign/Likely benign. Review status: criteria provided, multiple submitters, no conflicts (2 of 4 stars). 6 submissions from 5 submitters: Benign (3); Likely benign (3). Last evaluated 2026-04-01.

Conditions:
Baraitser-winter syndrome 2. Identifiers: Orphanet 2995, MedGen C3281235, MONDO:0013812, OMIM 614583.
Autosomal dominant nonsyndromic hearing loss 20. Identifiers: Orphanet 90635, MedGen C1858172, MONDO:0011480, OMIM 604717.

Allele frequency attached by ClinVar (database versions not stated): gnomAD 0.00006 and 0.00007; TOPMed 0.00021.
gnomAD v4.1: 144 of 1,613,998 alleles (0.0089%); highest among the groups gnomAD compares: Admixed American, 0.23%; 1 homozygote.

Submissions (6):

CeGaT Center for Human Genetics Tuebingen
Classification: Likely benign. Last evaluated: 2026-04-01. Review status: criteria provided, single submitter. Criteria: CeGaT Center For Human Genetics Tuebingen Variant Classification Criteria Version 2. Collection method: clinical testing. Allele origin: germline. Affected: yes. Observed: 2 variant alleles.
Comment: ACTG1: BP4, BS1

Labcorp Genetics (formerly Invitae), Labcorp
Classification: Benign for Baraitser-winter syndrome 2; Autosomal dominant nonsyndromic hearing loss 20. Last evaluated: 2026-01-12. Review status: criteria provided, single submitter. Criteria: Invitae Variant Classification Sherloc (09022015). Collection method: clinical testing. Allele origin: germline.

Genome-Nilou Lab
Classification: Benign for Baraitser-winter syndrome 2. Last evaluated: 2021-12-05. Review status: criteria provided, single submitter. Criteria: ACMG Guidelines, 2015. Collection method: clinical testing. Allele origin: germline. Affected: no.

Genome-Nilou Lab
Classification: Benign for Autosomal dominant nonsyndromic hearing loss 20. Last evaluated: 2021-12-05. Review status: criteria provided, single submitter. Criteria: ACMG Guidelines, 2015. Collection method: clinical testing. Allele origin: germline. Affected: no.

Eurofins Ntd Llc (ga)
Classification: Likely benign. Last evaluated: 2018-03-29. Review status: criteria provided, single submitter. Criteria: EGL ClinVar v180209 classification definitions. Collection method: clinical testing. Allele origin: germline. Observed: 2 variant alleles, 2 heterozygotes.

GeneDx
Classification: Likely benign. Last evaluated: 2018-03-01. Review status: criteria provided, single submitter. Criteria: GeneDx Variant Classification (06012015). Collection method: clinical testing. Allele origin: germline. Affected: yes.
Comment: This variant is considered likely benign or benign based on one or more of the following criteria: it is a conservative change, it occurs at a poorly conserved position in the protein, it is predicted to be benign by multiple in silico algorithms, and/or has population frequency not consistent with disease.

NM_001614.5(ACTG1):c.363+7C>G

Gene: ACTG1 (actin gamma 1; minus strand). Cytogenetic location: 17q25.3.
Variant type: single nucleotide variant.
Coding change: c.363+7C>G on transcript NM_001614.5 (MANE Select); 7 bases into the intron after coding-DNA position 363, C replaced by G.
Molecular consequence: intron variant.
Genome position (GRCh38, 1-based): chr17:81,511,896, G>C on the plus strand (C>G on the coding strand, the complement: ACTG1 is on the minus strand). VCF-style: chr17-81511896-G-C. GRCh37 (hg19) VCF-style: chr17-79478922-G-C.
Other names: c.363+7C>G (NM_001199954.3).
Identifiers: ClinVar variation 499511 (VCV000499511.19), dbSNP rs782205549, ClinGen allele CA8836266.